The following is an entry in ClinVar:

NM_000618.5(IGF1):c.*3552C>T

Genes: IGF1 (insulin like growth factor 1; minus strand), LINC02456 (long intergenic non-protein coding RNA 2456; plus strand). Cytogenetic location: 12q23.2.
Variant type: single nucleotide variant.
Coding change: c.*3552C>T on transcript NM_000618.5 (MANE Select); 3552 bases downstream of the stop codon, C replaced by T.
Molecular consequence: 3 prime UTR variant.
Genome position (GRCh38, 1-based): chr12:102,398,955, G>A on the plus strand (C>T on the coding strand, the complement: IGF1 is on the minus strand). VCF-style: chr12-102398955-G-A. GRCh37 (hg19) VCF-style: chr12-102792733-G-A.
Other names: c.*3586C>T (NM_001111283.3); c.*3552C>T (NM_001111284.2).
Identifiers: ClinVar variation 306868 (VCV000306868.6), dbSNP rs117058953, ClinGen allele CA10639948.

ClinVar aggregate classification (germline): Benign. Review status: criteria provided, multiple submitters, no conflicts (2 of 4 stars). 2 submissions from 2 submitters: Benign (2). Last evaluated 2018-01-12.

Conditions:
Growth delay due to insulin-like growth factor type 1 deficiency (IGF1D). Also called: GROWTH RETARDATION WITH SENSORINEURAL DEAFNESS AND MENTAL RETARDATION; IGF1 DEFICIENCY. Identifiers: Orphanet 73272, MedGen C1837475, MONDO:0012110, OMIM 608747.

Allele frequency attached by ClinVar (database versions not stated): 1000 Genomes Project 30x 0.00687; gnomAD exomes 0.00704; 1000 Genomes Project 0.00739; gnomAD 0.00943 and 0.00984; TOPMed 0.01134.
gnomAD v4.1: 1,490 of 152,532 alleles (0.98%); highest among the groups gnomAD compares: Non-Finnish European, 1.6%; 12 homozygotes.

Submissions (2):

Illumina Laboratory Services, Illumina
Classification: Benign for Growth delay due to insulin-like growth factor type 1 deficiency. Last evaluated: 2018-01-12. Review status: criteria provided, single submitter. Criteria: ICSL Variant Classification Criteria 13 December 2019. Collection method: clinical testing. Allele origin: germline.
Comment: This variant was observed in the ICSL laboratory as part of a predisposition screen in an ostensibly healthy population. It had not been previously curated by ICSL or reported in the Human Gene Mutation Database (HGMD: prior to June 1st, 2018), and was therefore a candidate for classification through an automated scoring system. Utilizing variant allele frequency, disease prevalence and penetrance estimates, and inheritance mode, an automated score was calculated to assess if this variant is too frequent to cause the disease. Based on the score and internal cut-off values, a variant classified as benign is not then subjected to further curation. The score for this variant resulted in a classification of benign for this disease.

Breakthrough Genomics
Classification: Benign. Review status: criteria provided, single submitter. Criteria: ACMG Guidelines, 2015. Collection method: not provided. Allele origin: germline. Inheritance: Autosomal recessive inheritance. Affected: yes.